The following is an entry in ClinVar:

ClinVar aggregate classification (germline): Uncertain significance (1 of 4 stars; one submission).

Allele frequency attached by ClinVar (database versions not stated): gnomAD exomes below 0.00001.

Submission:

Labcorp Genetics (formerly Invitae), Labcorp
Classification: Uncertain significance. Last evaluated: 2022-12-06. Review status: criteria provided, single submitter. Criteria: Invitae Variant Classification Sherloc (09022015). Collection method: clinical testing. Allele origin: germline.
Comment: This sequence change falls in intron 3 of the TWNK gene. It does not directly change the encoded amino acid sequence of the TWNK protein. It affects a nucleotide within the consensus splice site. This variant is not present in population databases (gnomAD no frequency). This variant has not been reported in the literature in individuals affected with TWNK-related conditions. Variants that disrupt the consensus splice site are a relatively common cause of aberrant splicing (PMID: 17576681, 9536098). Algorithms developed to predict the effect of sequence changes on RNA splicing suggest that this variant is not likely to affect RNA splicing. In summary, the available evidence is currently insufficient to determine the role of this variant in disease. Therefore, it has been classified as a Variant of Uncertain Significance.

Literature cited by the submitters: PubMed 17576681; PubMed 9536098.

NM_021830.5(TWNK):c.1592+6G>A

Gene: TWNK (twinkle mtDNA helicase; plus strand). Cytogenetic location: 10q24.31.
Variant type: single nucleotide variant.
Coding change: c.1592+6G>A on transcript NM_021830.5 (MANE Select); 6 bases into the intron after coding-DNA position 1592, G replaced by A.
Molecular consequence: intron variant. On other transcripts: non-coding transcript variant (3).
Genome position (GRCh38, 1-based): chr10:100,990,549, G>A. VCF-style: chr10-100990549-G-A. GRCh37 (hg19) VCF-style: chr10-102750306-G-A.
Other names: c.1592+6G>A (NM_001163812.2); c.230+6G>A (NM_001163814.2, NM_001163813.2, NM_001368275.1).
Identifiers: ClinVar variation 2981152 (VCV002981152.3), dbSNP rs2493640185, ClinGen allele CA2610574165.